The following is an entry in ClinVar:

NM_206933.4(USH2A):c.633G>T (p.Trp211Cys)

Gene: USH2A (usherin; minus strand). Cytogenetic location: 1q41.
Variant type: single nucleotide variant.
Coding change: c.633G>T on transcript NM_206933.4 (MANE Select); coding-DNA position 633, G replaced by T.
Protein change: p.Trp211Cys; replaces tryptophan 211 with cysteine.
Molecular consequence: missense variant.
Genome position (GRCh38, 1-based): chr1:216,418,532, C>A on the plus strand (G>T on the coding strand, the complement: USH2A is on the minus strand). VCF-style: chr1-216418532-C-A. GRCh37 (hg19) VCF-style: chr1-216591874-C-A.
Other names: c.633G>T, p.Trp211Cys (NM_007123.6); short protein forms W211C.
Identifiers: ClinVar variation 1411904 (VCV001411904.3), dbSNP rs2102783738, ClinGen allele CA344902186.

ClinVar aggregate classification (germline): Uncertain significance (1 of 4 stars; one submission).

Submission:

Labcorp Genetics (formerly Invitae), Labcorp
Classification: Uncertain significance. Last evaluated: 2022-03-10. Review status: criteria provided, single submitter. Criteria: Invitae Variant Classification Sherloc (09022015). Collection method: clinical testing. Allele origin: germline.
Comment: This sequence change replaces tryptophan, which is neutral and slightly polar, with cysteine, which is neutral and slightly polar, at codon 211 of the USH2A protein (p.Trp211Cys). This variant is not present in population databases (gnomAD no frequency). This missense change has been observed in individual(s) with clinical features of retinitis pigmentosa (Invitae). Algorithms developed to predict the effect of missense changes on protein structure and function are either unavailable or do not agree on the potential impact of this missense change (SIFT: "Deleterious"; PolyPhen-2: "Probably Damaging"; Align-GVGD: "Class C0"). In summary, the available evidence is currently insufficient to determine the role of this variant in disease. Therefore, it has been classified as a Variant of Uncertain Significance.